The following is an entry in ClinVar:

NM_000051.4(ATM):c.8458T>A (p.Phe2820Ile)

Genes: ATM (ATM serine/threonine kinase; plus strand), C11orf65 (chromosome 11 open reading frame 65; minus strand). Cytogenetic location: 11q22.3.
Variant type: single nucleotide variant.
Coding change: c.8458T>A on transcript NM_000051.4 (MANE Select); coding-DNA position 8458, T replaced by A.
Protein change: p.Phe2820Ile; replaces phenylalanine 2820 with isoleucine.
Molecular consequence: missense variant. On other transcripts: intron variant (2).
Genome position (GRCh38, 1-based): chr11:108,345,782, T>A. VCF-style: chr11-108345782-T-A. GRCh37 (hg19) VCF-style: chr11-108216509-T-A.
Other names: c.8458T>A, p.Phe2820Ile (NM_001351834.2); c.641-36711A>T (NM_001330368.2); c.695-10490A>T (NM_001351110.2); short protein forms F2820I.
Identifiers: ClinVar variation 4866577 (VCV004866577.1).

ClinVar aggregate classification (germline): Uncertain significance (1 of 4 stars; one submission).

Conditions:
Hereditary cancer-predisposing syndrome. Also called: Tumor predisposition; Hereditary neoplastic syndrome; Hereditary Cancer Syndrome; Neoplastic Syndromes, Hereditary. Identifiers: Orphanet 140162, MedGen C0027672, MeSH D009386, MONDO:0015356.

Submission:

Ambry Genetics
Classification: Uncertain significance for Hereditary cancer-predisposing syndrome. Last evaluated: 2026-05-05. Review status: criteria provided, single submitter. Criteria: Ambry Variant Classification Scheme 2023. Collection method: clinical testing. Allele origin: germline.
Comment: The p.F2820I variant (also known as c.8458T>A), located in coding exon 57 of the ATM gene, results from a T to A substitution at nucleotide position 8458. The phenylalanine at codon 2820 is replaced by isoleucine, an amino acid with highly similar properties. This amino acid position is well conserved in available vertebrate species. In addition, the in silico prediction for this alteration is inconclusive. Based on the available evidence, the clinical significance of this variant remains unclear.